The following is an entry in ClinVar:

NM_000523.4(HOXD13):c.858del (p.Gln287fs)

Gene: HOXD13 (homeobox D13; plus strand). Cytogenetic location: 2q31.1.
Variant type: Deletion.
Coding change: c.858del on transcript NM_000523.4 (MANE Select); coding-DNA position 858, one base deleted (G; older notation c.858delG).
Protein change: p.Gln287fs; shifts the reading frame from glutamine 287.
Molecular consequence: frameshift variant.
Genome position (GRCh38, 1-based): chr2:176,094,556, G deleted. VCF-style (leftmost placement, unchanged base first): chr2-176094555-TG-T. GRCh37 (hg19) VCF-style: chr2-176959283-TG-T.
Other names: c.858delG (NM_000523.3); c.858del (NM_000523.3); short protein forms Q287fs.
Identifiers: ClinVar variation 3346356 (VCV003346356.3).
Genomic context (GRCh38, chr2:176,094,555, plus strand): 5'-ATCAGCCGGACATGTGCGTCTACCGAAGAGGGAGGAAGAAGAGAGTGCCTTACACCAAAC[TG>T]CAGCTTAAAGAACTGGAGAACGAGTATGCCATTAACAAATTCATTAACAAGGACAAGCGG-3'

ClinVar aggregate classification (germline): Pathogenic/Likely pathogenic. Review status: criteria provided, multiple submitters, no conflicts (2 of 4 stars). 3 submissions from 3 submitters: Pathogenic (1); Likely pathogenic (1). 1 of the submissions does not count toward it. Last evaluated 2026-05-12.

Conditions:
HOXD13-related disorder. Also called: HOXD13-related condition; HOXD13-related disorders.
Inborn genetic diseases. Identifiers: MedGen C0950123, MeSH D030342.

Submissions (3):

Ambry Genetics
Classification: Pathogenic for Inborn genetic diseases. Last evaluated: 2026-05-12. Review status: criteria provided, single submitter. Criteria: Ambry Variant Classification Scheme 2023. Collection method: clinical testing. Allele origin: germline.
Comment: The c.858delG (p.Q287Sfs*34) alteration, located in exon 2 (coding exon 2) of the HOXD13 gene, consists of a deletion of one nucleotide at position 858, causing a translational frameshift with a predicted alternate stop codon after 34 amino acids. This variant is not expected to trigger nonsense-mediated mRNA decay and impacts the last 16.6% of the protein. Premature stop codons are typically deleterious in nature, the impacted region is critical for protein function, and a significant portion of the protein is affected (Ambry internal data). This variant was not reported in population-based cohorts in the Genome Aggregation Database (gnomAD). This variant was identified in one or more individuals with features consistent with HOXD13-related limb skeletal malformations and segregated with disease in at least one family (Goodman, 1998). Note, this variant is also referred to as c.834delG in the literature. Based on the available evidence, this alteration is classified as pathogenic.

GeneDx
Classification: Likely pathogenic. Last evaluated: 2026-01-30. Review status: criteria provided, single submitter. Criteria: GeneDx Variant Classification Process June 2021. Collection method: clinical testing. Allele origin: germline.
Comment: Identified in multiple individuals with synpolydactyly from one family (PMID: 9758628); Frameshift variant predicted to result in abnormal protein length as the last 57 amino acid(s) are replaced with 33 different amino acid(s), and other similar variants have been reported in HGMD; Not observed at significant frequency in large population cohorts (gnomAD); This variant is associated with the following publications: (PMID: 9758628)

PreventionGenetics, part of Exact Sciences
Classification: Pathogenic for HOXD13-related condition. Last evaluated: 2024-07-17. Review status: no assertion criteria provided. Collection method: clinical testing. Allele origin: germline. Not counted in ClinVar's aggregate classification.
Comment: The HOXD13 c.858delG variant is predicted to result in a frameshift and premature protein termination (p.Gln287Serfs*34). This variant was reported in a family with multiple individuals affected with foot malformation (reported as base 834 in Figure 2, Goodman et al. 1998. PubMed ID: 9758628). This variant has not been reported in a large population database, indicating this variant is rare. Frameshift variants in HOXD13 are expected to be pathogenic. This variant is interpreted as pathogenic.

Literature cited by the submitters: PubMed 9758628 (cited by Ambry Genetics).